The following is an entry in ClinVar:

NC_000005.9:g.(?_177419710)_(177578014_?)dup

Genes: RMND5B (required for meiotic nuclear division 5 homolog B; plus strand), PROP1 (PROP paired-like homeobox 1; minus strand), NHP2 (NHP2 ribonucleoprotein; minus strand), N4BP3 (NEDD4 binding protein 3; plus strand). Cytogenetic location: 5q35.3.
Variant type: Duplication.
Identifiers: ClinVar variation 2426362 (VCV002426362.4).

ClinVar aggregate classification (germline): Uncertain significance (1 of 4 stars; one submission).

Conditions:
Dyskeratosis congenita. Identifiers: Orphanet 1775, MedGen C0265965, MONDO:0015780.

Submission:

Labcorp Genetics (formerly Invitae), Labcorp
Classification: Uncertain significance for Dyskeratosis congenita. Last evaluated: 2022-05-24. Review status: criteria provided, single submitter. Criteria: Invitae Variant Classification Sherloc (09022015). Collection method: clinical testing. Allele origin: germline.
Comment: This variant results in a copy number gain of the genomic region encompassing exon(s) 3-4 of the NHP2 gene. This region includes the termination codon of the gene. This copy number gain extends beyond the assayed region for this gene and therefore may encompass additional genes. As the precise location of this event is unknown, it may be in tandem or it may be located elsewhere in the genome. This variant has not been reported in the literature in individuals affected with NHP2-related conditions. In summary, the available evidence is currently insufficient to determine the role of this variant in disease. Therefore, it has been classified as a Variant of Uncertain Significance. Experimental studies and prediction algorithms are not available or were not evaluated, and the functional significance of this variant is currently unknown.